The following is an entry in ClinVar:

ClinVar aggregate classification (germline): Uncertain significance (1 of 4 stars; one submission).

Conditions:
Ehlers-Danlos syndrome, classic type, 1 (EDSCL1). Also called: Ehlers-Danlos Syndrome, Classic Type, COL5A1-Related; EHLERS-DANLOS SYNDROME, GRAVIS TYPE; EHLERS-DANLOS SYNDROME, SEVERE CLASSIC TYPE; Ehlers-Danlos syndrome, type 1; EDS I. Identifiers: MedGen C0268335, MONDO:0019567, OMIM 130000.

gnomAD v4.1: 5 of 1,607,918 alleles (0.00031%); highest among the groups gnomAD compares: African/African-American, 0.0013%; no homozygotes.

Submission:

Labcorp Genetics (formerly Invitae), Labcorp
Classification: Uncertain significance for Ehlers-Danlos syndrome, classic type, 1. Last evaluated: 2023-05-31. Review status: criteria provided, single submitter. Criteria: Invitae Variant Classification Sherloc (09022015). Collection method: clinical testing. Allele origin: germline.
Comment: In summary, the available evidence is currently insufficient to determine the role of this variant in disease. Therefore, it has been classified as a Variant of Uncertain Significance. Experimental studies and prediction algorithms are not available or were not evaluated, and the functional significance of this variant is currently unknown. ClinVar contains an entry for this variant (Variation ID: 2168581). This variant has not been reported in the literature in individuals affected with COL5A1-related conditions. This variant is present in population databases (rs769417779, gnomAD 0.007%). This sequence change replaces glycine, which is neutral and non-polar, with valine, which is neutral and non-polar, at codon 1689 of the COL5A1 protein (p.Gly1689Val).

NM_000093.5(COL5A1):c.5066G>T (p.Gly1689Val)

Genes: COL5A1 (collagen type V alpha 1 chain; plus strand), LOC101448202 (uncharacterized LOC101448202; minus strand). Cytogenetic location: 9q34.3.
Variant type: single nucleotide variant.
Coding change: c.5066G>T on transcript NM_000093.5 (MANE Select); coding-DNA position 5066, G replaced by T.
Protein change: p.Gly1689Val; replaces glycine 1689 with valine.
Molecular consequence: missense variant.
Genome position (GRCh38, 1-based): chr9:134,825,903, G>T. VCF-style: chr9-134825903-G-T. GRCh37 (hg19) VCF-style: chr9-137717749-G-T.
Other names: c.5066G>T, p.Gly1689Val (NM_001278074.1); short protein forms G1689V.
Identifiers: ClinVar variation 2168581 (VCV002168581.4), dbSNP rs769417779, ClinGen allele CA5320550.